The following is an entry in ClinVar:

ClinVar aggregate classification (germline): Likely benign (1 of 4 stars; one submission).

Conditions:
TTN-related disorder. Also called: TTN-related disorders; TTN-related condition; TTN-related disease.

gnomAD v4.1: 91 of 1,612,714 alleles (0.0056%); highest among the groups gnomAD compares: East Asian, 0.19%; no homozygotes.

Submission:

PreventionGenetics, part of Exact Sciences
Classification: Likely benign for TTN-related condition. Last evaluated: 2026-02-14. Review status: criteria provided, single submitter. Criteria: ACMG Guidelines, 2015. Collection method: clinical testing. Allele origin: germline.
Comment: This variant is classified as likely benign based on ACMG/AMP sequence variant interpretation guidelines (Richards et al. 2015 PMID: 25741868, with internal and published modifications).

NM_001267550.2(TTN):c.11311+2614G>C

Gene: TTN (titin; minus strand). Cytogenetic location: 2q31.2.
Variant type: single nucleotide variant.
Coding change: c.11311+2614G>C on transcript NM_001267550.2 (MANE Select); 2614 bases into the intron after coding-DNA position 11311, G replaced by C.
Molecular consequence: intron variant. On other transcripts: missense variant (1).
Genome position (GRCh38, 1-based): chr2:178,750,510, C>G on the plus strand (G>C on the coding strand, the complement: TTN is on the minus strand). VCF-style: chr2-178750510-C-G. GRCh37 (hg19) VCF-style: chr2-179615237-C-G.
Other names: c.11890G>C, p.Val3964Leu (NM_133379.5); c.10222+2614G>C (NM_003319.4); c.10798+2614G>C (NM_133437.4); c.10597+2614G>C (NM_133432.3); c.10360+2614G>C (NM_133378.4, NM_001256850.1); short protein forms V3964L.
Identifiers: ClinVar variation 4981430 (VCV004981430.1).